The following is an entry in ClinVar:

ClinVar aggregate classification (germline): Likely benign. Review status: criteria provided, single submitter (1 of 4 stars). 2 submissions from 2 submitters: Likely benign (1). 1 of the submissions does not count toward it. Last evaluated 2025-01-13.

Conditions:
Rubinstein-Taybi syndrome due to EP300 haploinsufficiency. Also called: EP300-Related Rubinstein-Taybi Syndrome; RUBINSTEIN-TAYBI SYNDROME 2. Identifiers: Orphanet 353284, Orphanet 783, MedGen C3150941, MONDO:0013364, OMIM 613684.
EP300-related disorder. Also called: EP300-related condition; EP300-related disorders.

Allele frequency attached by ClinVar (database versions not stated): gnomAD exomes below 0.00001; ExAC 0.00001; gnomAD 0.00001; TOPMed 0.00003; ESP Exome Variant Server 0.00008.
gnomAD v4.1: 3 of 1,614,064 alleles (0.00019%); highest among the groups gnomAD compares: African/African-American, 0.0027%; no homozygotes.

Submissions (2):

Labcorp Genetics (formerly Invitae), Labcorp
Classification: Likely benign for Rubinstein-Taybi syndrome due to EP300 haploinsufficiency. Last evaluated: 2025-01-13. Review status: criteria provided, single submitter. Criteria: Invitae Variant Classification Sherloc (09022015). Collection method: clinical testing. Allele origin: germline.

PreventionGenetics, part of Exact Sciences
Classification: Likely benign for EP300-related condition. Last evaluated: 2023-07-18. Review status: no assertion criteria provided. Collection method: clinical testing. Allele origin: germline. Not counted in ClinVar's aggregate classification.
Comment: This variant is classified as likely benign based on ACMG/AMP sequence variant interpretation guidelines (Richards et al. 2015 PMID: 25741868, with internal and published modifications).

NM_001429.4(EP300):c.5280G>A (p.Lys1760=)

Gene: EP300 (EP300 lysine acetyltransferase; plus strand). Cytogenetic location: 22q13.2.
Variant type: single nucleotide variant.
Coding change: c.5280G>A on transcript NM_001429.4 (MANE Select); coding-DNA position 5280, G replaced by A.
Protein change: p.Lys1760=; no amino-acid change (lysine 1760 retained).
Molecular consequence: synonymous variant.
Genome position (GRCh38, 1-based): chr22:41,176,991, G>A. VCF-style: chr22-41176991-G-A. GRCh37 (hg19) VCF-style: chr22-41572995-G-A.
Other names: c.5202G>A, p.Lys1734= (NM_001362843.2); c.5280G>A (NM_001429.3).
Identifiers: ClinVar variation 1563545 (VCV001563545.11), dbSNP rs148892028, ClinGen allele CA10253617.